The following is an entry in ClinVar:

NM_001036.6(RYR3):c.14515C>A (p.Gln4839Lys)

Genes: AVEN (apoptosis and caspase activation inhibitor; minus strand), RYR3 (ryanodine receptor 3; plus strand). Cytogenetic location: 15q14.
Variant type: single nucleotide variant.
Coding change: c.14515C>A on transcript NM_001036.6 (MANE Select); coding-DNA position 14515, C replaced by A.
Protein change: p.Gln4839Lys; replaces glutamine 4839 with lysine.
Molecular consequence: missense variant.
Genome position (GRCh38, 1-based): chr15:33,864,187, C>A. VCF-style: chr15-33864187-C-A. GRCh37 (hg19) VCF-style: chr15-34156388-C-A.
Other names: c.14500C>A, p.Gln4834Lys (NM_001243996.4); short protein forms Q4839K, Q4834K.
Identifiers: ClinVar variation 531011 (VCV000531011.8), dbSNP rs1225273407, ClinGen allele CA391595933.

ClinVar aggregate classification (germline): Uncertain significance (1 of 4 stars; one submission).

Conditions:
Epileptic encephalopathy. Identifiers: MedGen C0543888, HP:0200134.

Allele frequency attached by ClinVar (database versions not stated): gnomAD exomes below 0.00001; gnomAD 0.00001; TOPMed 0.00001.
gnomAD v4.1: 18 of 1,609,724 alleles (0.0011%); highest among the groups gnomAD compares: Admixed American, 0.0034%; no homozygotes.

Submission:

Labcorp Genetics (formerly Invitae), Labcorp
Classification: Uncertain significance for Epileptic encephalopathy. Last evaluated: 2017-09-05. Review status: criteria provided, single submitter. Criteria: Invitae Variant Classification Sherloc (09022015). Collection method: clinical testing. Allele origin: germline.
Comment: This variant is not present in population databases (ExAC no frequency). In summary, the available evidence is currently insufficient to determine the role of this variant in disease. Therefore, it has been classified as a Variant of Uncertain Significance. Algorithms developed to predict the effect of missense changes on protein structure and function do not agree on the potential impact of this missense change (SIFT: "Deleterious"; PolyPhen-2: "Possibly Damaging"; Align-GVGD: "Class C0"). This variant has not been reported in the literature in individuals with RYR3-related disease. This sequence change replaces glutamine with lysine at codon 4839 of the RYR3 protein (p.Gln4839Lys). The glutamine residue is highly conserved and there is a small physicochemical difference between glutamine and lysine.